The following is an entry in ClinVar:

ClinVar aggregate classification (germline): Uncertain significance (1 of 4 stars; one submission).

Allele frequency attached by ClinVar (database versions not stated): gnomAD exomes below 0.00001.
gnomAD v4.1: 1 of 1,614,194 alleles (0.000062%); highest among the groups gnomAD compares: Non-Finnish European, 0.000085%; no homozygotes.

Submission:

Labcorp Genetics (formerly Invitae), Labcorp
Classification: Uncertain significance. Last evaluated: 2022-03-14. Review status: criteria provided, single submitter. Criteria: Invitae Variant Classification Sherloc (09022015). Collection method: clinical testing. Allele origin: germline.
Comment: In summary, the available evidence is currently insufficient to determine the role of this variant in disease. Therefore, it has been classified as a Variant of Uncertain Significance. Algorithms developed to predict the effect of missense changes on protein structure and function are either unavailable or do not agree on the potential impact of this missense change (SIFT: "Deleterious"; PolyPhen-2: "Benign"; Align-GVGD: "Class C15"). This variant has not been reported in the literature in individuals affected with LRP5-related conditions. This variant is not present in population databases (gnomAD no frequency). This sequence change replaces phenylalanine, which is neutral and non-polar, with tyrosine, which is neutral and polar, at codon 1405 of the LRP5 protein (p.Phe1405Tyr).

NM_002335.4(LRP5):c.4214T>A (p.Phe1405Tyr)

Gene: LRP5 (LDL receptor related protein 5; plus strand). Cytogenetic location: 11q13.2.
Variant type: single nucleotide variant.
Coding change: c.4214T>A on transcript NM_002335.4 (MANE Select); coding-DNA position 4214, T replaced by A.
Protein change: p.Phe1405Tyr; replaces phenylalanine 1405 with tyrosine.
Molecular consequence: missense variant.
Genome position (GRCh38, 1-based): chr11:68,438,548, T>A. VCF-style: chr11-68438548-T-A. GRCh37 (hg19) VCF-style: chr11-68206016-T-A.
Other names: c.2471T>A, p.Phe824Tyr (NM_001291902.2); short protein forms F824Y, F1405Y.
Identifiers: ClinVar variation 2111704 (VCV002111704.4), dbSNP rs2496900395, ClinGen allele CA381615026.